The following is an entry in ClinVar:

NM_138959.3(VANGL1):c.1299C>T (p.Asn433=)

Gene: VANGL1 (VANGL planar cell polarity protein 1; plus strand). Cytogenetic location: 1p13.1.
Variant type: single nucleotide variant.
Coding change: c.1299C>T on transcript NM_138959.3 (MANE Select); coding-DNA position 1299, C replaced by T.
Protein change: p.Asn433=; no amino-acid change (asparagine 433 retained).
Molecular consequence: synonymous variant.
Genome position (GRCh38, 1-based): chr1:115,685,512, C>T. VCF-style: chr1-115685512-C-T. GRCh37 (hg19) VCF-style: chr1-116228133-C-T.
Other names: c.1293C>T, p.Asn431= (NM_001172411.2); c.1299C>T, p.Asn433= (NM_001172412.2).
Identifiers: ClinVar variation 875534 (VCV000875534.4), dbSNP rs145137292, ClinGen allele CA1023498.

ClinVar aggregate classification (germline): Conflicting classifications of pathogenicity. Review status: criteria provided, conflicting classifications (1 of 4 stars). 2 submissions from 1 submitter: Uncertain significance (1); Likely benign (1). Last evaluated 2018-01-12.

Conditions:
Neural tube defect (NTD). Also called: Neural tube defects. Identifiers: Orphanet 3388, Orphanet 823, MedGen C0027794, MONDO:0018075, HP:0045005.
Sacral defect with anterior meningocele. Identifiers: MedGen C1838568, OMIM 600145.

Allele frequency attached by ClinVar (database versions not stated): ExAC 0.00003; gnomAD exomes 0.00004 and 0.00005; TOPMed 0.00004; gnomAD 0.00006; ESP Exome Variant Server 0.00008.
gnomAD v4.1: 79 of 1,613,968 alleles (0.0049%); highest among the groups gnomAD compares: East Asian, 0.0089%; no homozygotes.

Submissions (2):

Illumina Laboratory Services, Illumina
Classification: Likely benign for Sacral defect with anterior meningocele. Last evaluated: 2018-01-12. Review status: criteria provided, single submitter. Criteria: ICSL Variant Classification Criteria 13 December 2019. Collection method: clinical testing. Allele origin: germline.
Comment: This variant was observed in the ICSL laboratory as part of a predisposition screen in an ostensibly healthy population. It had not been previously curated by ICSL or reported in the Human Gene Mutation Database (HGMD: prior to June 1st, 2018), and was therefore a candidate for classification through an automated scoring system. Utilizing variant allele frequency, disease prevalence and penetrance estimates, and inheritance mode, an automated score was calculated to assess if this variant is too frequent to cause the disease. Based on the score and internal cut-off values, a variant classified as likely benign is not then subjected to further curation. The score for this variant resulted in a classification of likely benign for this disease.

Illumina Laboratory Services, Illumina
Classification: Uncertain significance for Neural tube defects, susceptibility to. Last evaluated: 2018-01-12. Review status: criteria provided, single submitter. Criteria: ICSL Variant Classification Criteria 13 December 2019. Collection method: clinical testing. Allele origin: germline.